The following is an entry in ClinVar:

NM_020812.4(DOCK6):c.377+3G>A

Gene: DOCK6 (dedicator of cytokinesis 6; minus strand). Cytogenetic location: 19p13.2.
Variant type: single nucleotide variant.
Coding change: c.377+3G>A on transcript NM_020812.4 (MANE Select); 3 bases into the intron after coding-DNA position 377, G replaced by A.
Molecular consequence: intron variant.
Genome position (GRCh38, 1-based): chr19:11,252,479, C>T on the plus strand (G>A on the coding strand, the complement: DOCK6 is on the minus strand). VCF-style: chr19-11252479-C-T. GRCh37 (hg19) VCF-style: chr19-11363155-C-T.
Other names: c.377+3G>A (NM_001367830.1).
Identifiers: ClinVar variation 2077725 (VCV002077725.2), dbSNP rs553480473, ClinGen allele CA9208532.

ClinVar aggregate classification (germline): Uncertain significance (1 of 4 stars; one submission).

Allele frequency attached by ClinVar (database versions not stated): TOPMed 0.00001; gnomAD 0.00003; gnomAD exomes 0.00008; ExAC 0.00012; 1000 Genomes Project 30x 0.00016; 1000 Genomes Project 0.00020.
gnomAD v4.1: 119 of 1,613,896 alleles (0.0074%); highest among the groups gnomAD compares: South Asian, 0.13%; 1 homozygote.

Submission:

Labcorp Genetics (formerly Invitae), Labcorp
Classification: Uncertain significance. Last evaluated: 2022-07-27. Review status: criteria provided, single submitter. Criteria: Invitae Variant Classification Sherloc (09022015). Collection method: clinical testing. Allele origin: germline.
Comment: This variant has not been reported in the literature in individuals affected with DOCK6-related conditions. In summary, the available evidence is currently insufficient to determine the role of this variant in disease. Therefore, it has been classified as a Variant of Uncertain Significance. Variants that disrupt the consensus splice site are a relatively common cause of aberrant splicing (PMID: 17576681, 9536098). Algorithms developed to predict the effect of sequence changes on RNA splicing suggest that this variant is not likely to affect RNA splicing. This variant is present in population databases (rs553480473, gnomAD 0.1%). This sequence change falls in intron 4 of the DOCK6 gene. It does not directly change the encoded amino acid sequence of the DOCK6 protein. It affects a nucleotide within the consensus splice site.

Literature cited by the submitters: PubMed 17576681; PubMed 9536098.